The following is an entry in ClinVar:

NM_007294.4(BRCA1):c.5406+68T>C

Gene: BRCA1 (BRCA1 DNA repair associated; minus strand). Cytogenetic location: 17q21.31.
Variant type: single nucleotide variant.
Coding change: c.5406+68T>C on transcript NM_007294.4 (MANE Select); 68 bases into the intron after coding-DNA position 5406, T replaced by C.
Molecular consequence: intron variant.
Genome position (GRCh38, 1-based): chr17:43,049,053, A>G on the plus strand (T>C on the coding strand, the complement: BRCA1 is on the minus strand). VCF-style: chr17-43049053-A-G. GRCh37 (hg19) VCF-style: chr17-41201070-A-G.
Other names: IVS22+68T>C; IVS 22+68T>C; c.5469+68T>C (NM_007300.3, NM_001407587.1, NM_001407585.1 and 2 more transcripts); c.1953+68T>C (NM_001408458.1, NM_001408461.1, NM_001408464.1 and 7 more transcripts); c.4515+68T>C (NM_001407967.1); c.5025+68T>C (NM_001407959.1); c.5139+68T>C (NM_001407931.1, NM_001407932.1, NM_001407928.1 and 4 more transcripts); c.5262+68T>C (NM_001407747.1, NM_001407745.1, NM_001407737.1 and 18 more transcripts); and 86 more.
Identifiers: ClinVar variation 125842 (VCV000125842.22), dbSNP rs8176307, ClinGen allele CA003562.
Genomic context (GRCh38, chr17:43,049,053, plus strand): 5'-ACAGGTATGTGGGCAGAGAAGACTTCTGAGGCTACAGTAGGGGCATCCATAGGGACTGAC[A>G]GGTGCCAGTCTTGCTCACAGGAGAGAATATTGTGTCCTCCCTCTCTGACAGGGCACCCAA-3'

ClinVar aggregate classification (germline): Benign. Review status: reviewed by expert panel (3 of 4 stars). 6 submissions from 6 submitters: Benign (1). 5 of the submissions do not count toward it. Last evaluated 2015-01-12.

Conditions:
Hereditary breast ovarian cancer syndrome. Also called: Hereditary breast and/or ovarian cancer syndrome; Breast and ovarian cancer; Hereditary breast and ovarian cancer syndrome; Hereditary breast and ovarian cancer; Hereditary breast and ovarian cancer syndrome (HBOC); BRCA1- and BRCA2-Associated Hereditary Breast and Ovarian Cancer. Identifiers: Orphanet 145, MedGen C0677776, MeSH D061325, MONDO:0003582. Disease mechanism: loss of function.
Breast-ovarian cancer, familial, susceptibility to, 1 (BROVCA1). Also called: BRCA1 Hereditary Breast and Ovarian Cancer; OVARIAN CANCER, SUSCEPTIBILITY TO. Identifiers: Orphanet 145, MedGen C2676676, MONDO:0011450, OMIM 604370. Disease mechanism: loss of function.

Allele frequency attached by ClinVar (database versions not stated): gnomAD exomes 0.00093; gnomAD 0.00950 and 0.01019; 1000 Genomes Project 0.01058; TOPMed 0.01109; 1000 Genomes Project 30x 0.01171.
gnomAD v4.1: 2,744 of 1,473,338 alleles (0.19%); highest among the groups gnomAD compares: African/African-American, 3.3%; 33 homozygotes.

Submissions (6):

Evidence-based Network for the Interpretation of Germline Mutant Alleles (ENIGMA)
Classification: Benign for Breast-ovarian cancer, familial 1. Last evaluated: 2015-01-12. Review status: reviewed by expert panel. Criteria: ENIGMA BRCA1/2 Classification Criteria (2015). Collection method: curation. Allele origin: germline.
Comment: Class 1 not pathogenic based on frequency >1% in an outbred sampleset. Frequency 0.06301 (African), derived from 1000 genomes (2012-04-30).

KCCC/NGS Laboratory, Kuwait Cancer Control Center
Classification: Benign for Breast-ovarian cancer, familial, susceptibility to, 1. Last evaluated: 2023-07-07. Review status: criteria provided, single submitter. Criteria: ACMG Guidelines, 2015. Collection method: clinical testing. Allele origin: germline. Affected: yes. Not counted in ClinVar's aggregate classification.

National Health Laboratory Service, Universitas Academic Hospital and University of the Free State
Classification: Benign for Hereditary breast ovarian cancer syndrome. Last evaluated: 2022-04-19. Review status: criteria provided, single submitter. Criteria: ACMG Guidelines, 2015. Collection method: clinical testing. Allele origin: germline. Affected: yes. Observed: 28 variant alleles. Not counted in ClinVar's aggregate classification.

GeneDx
Classification: Likely benign. Last evaluated: 2018-06-21. Review status: criteria provided, single submitter. Criteria: GeneDx Variant Classification Process June 2021. Collection method: clinical testing. Allele origin: germline. Affected: yes. Not counted in ClinVar's aggregate classification.

Breakthrough Genomics
Classification: Benign. Review status: criteria provided, single submitter. Criteria: ACMG Guidelines, 2015. Collection method: not provided. Allele origin: germline. Inheritance: Autosomal recessive inheritance. Affected: yes. Not counted in ClinVar's aggregate classification.

Breast Cancer Information Core (BIC) (BRCA1)
Classification: Uncertain significance for Breast-ovarian cancer, familial 1. Last evaluated: 2006-07-19. Review status: no assertion criteria provided. Collection method: clinical testing. Allele origin: germline. Affected: yes. Observed: 4 variant alleles. Not counted in ClinVar's aggregate classification.

Literature cited by the submitters: DOI 10.3389/fgene.2022.834265 (cited by National Health Laboratory Service, Universitas Academic Hospital and University of the Free State).